The following is an entry in ClinVar:

NM_000535.7(PMS2):c.2217G>C (p.Leu739=)

Gene: PMS2 (PMS1 homolog 2, mismatch repair system component; minus strand). Cytogenetic location: 7p22.1.
Variant type: single nucleotide variant.
Coding change: c.2217G>C on transcript NM_000535.7 (MANE Select); coding-DNA position 2217, G replaced by C.
Protein change: p.Leu739=; no amino-acid change (leucine 739 retained).
Molecular consequence: synonymous variant. On other transcripts: non-coding transcript variant (1).
Genome position (GRCh38, 1-based): chr7:5,978,654, C>G on the plus strand (G>C on the coding strand, the complement: PMS2 is on the minus strand). VCF-style: chr7-5978654-C-G. GRCh37 (hg19) VCF-style: chr7-6018285-C-G.
Other names: c.1812G>C, p.Leu604= (NM_001322003.2, NM_001322004.2, NM_001322005.2 and 1 more transcripts); c.2061G>C, p.Leu687= (NM_001322006.2); c.1899G>C, p.Leu633= (NM_001322007.2, NM_001322008.2); c.1656G>C, p.Leu552= (NM_001322010.2); c.1284G>C, p.Leu428= (NM_001322011.2, NM_001322012.2); c.1644G>C, p.Leu548= (NM_001322013.2); c.2217G>C, p.Leu739= (NM_001322014.2); c.1908G>C, p.Leu636= (NM_001322015.2).
Identifiers: ClinVar variation 633365 (VCV000633365.18), dbSNP rs752718686, ClinGen allele CA047095.

ClinVar aggregate classification (germline): Benign/Likely benign. Review status: criteria provided, multiple submitters, no conflicts (2 of 4 stars). 6 submissions from 6 submitters: Benign (1); Likely benign (5). Last evaluated 2025-09-15.

Conditions:
Hereditary cancer-predisposing syndrome. Also called: Tumor predisposition; Neoplastic Syndromes, Hereditary; Hereditary neoplastic syndrome; Hereditary Cancer Syndrome. Identifiers: Orphanet 140162, MedGen C0027672, MeSH D009386, MONDO:0015356.
Hereditary nonpolyposis colorectal neoplasms. Identifiers: MedGen C0009405, MeSH D003123.
Lynch syndrome 4 (LYNCH4). Also called: Hereditary non-polyposis colorectal cancer, type 4; Colorectal cancer, hereditary nonpolyposis, type 4. Identifiers: Orphanet 144, MedGen C1838333, MONDO:0013699, OMIM 614337. Disease mechanism: loss of function.

Allele frequency attached by ClinVar (database versions not stated): gnomAD exomes below 0.00001 and 0.00002; ExAC 0.00001.
gnomAD v4.1: 23 of 1,602,448 alleles (0.0014%); highest among the groups gnomAD compares: Non-Finnish European, 0.002%; 1 homozygote.

Submissions (6):

Labcorp Genetics (formerly Invitae), Labcorp
Classification: Likely benign for Hereditary nonpolyposis colorectal neoplasms. Last evaluated: 2025-09-15. Review status: criteria provided, single submitter. Criteria: Invitae Variant Classification Sherloc (09022015). Collection method: clinical testing. Allele origin: germline.

Myriad Genetics, Inc.
Classification: Benign for Lynch syndrome 4. Last evaluated: 2025-02-03. Review status: criteria provided, single submitter. Criteria: Myriad Autosomal Dominant, Autosomal Recessive and X-Linked Classification Criteria (2023). Collection method: clinical testing. Allele origin: unknown.
Comment: This variant is considered benign. This variant is a silent/synonymous amino acid change and it is not expected to impact splicing.

Institute for Biomarker Research, Medical Diagnostic Laboratories, L.L.C.
Classification: Likely benign for Hereditary cancer-predisposing syndrome. Last evaluated: 2025-01-27. Review status: criteria provided, single submitter. Criteria: ACMG Guidelines, 2015. Collection method: clinical testing. Allele origin: germline.
Comment: The synonymous variant NM_001322014.2(PMS2):c.2217G>C (p.Leu739=) has been reported to ClinVar as Likely benign with a status of (2 stars) criteria provided, multiple submitters, no conflicts (Variation ID 633365 as of 2025-01-02). The p.Leu739= variant is not predicted to disrupt an existing splice site. The p.Leu739= variant results in a substitution of a base that is not predicted conserved by GERP++ and PhyloP. For these reasons, this variant has been classified as Likely Benign

Women's Health and Genetics/Laboratory Corporation of America, LabCorp
Classification: Likely benign. Last evaluated: 2019-08-29. Review status: criteria provided, single submitter. Criteria: LabCorp Variant Classification Summary - May 2015. Collection method: clinical testing. Allele origin: germline.

GeneDx
Classification: Likely benign. Last evaluated: 2018-03-16. Review status: criteria provided, single submitter. Criteria: GeneDx Variant Classification (06012015). Collection method: clinical testing. Allele origin: germline. Affected: yes.
Comment: This variant is considered likely benign or benign based on one or more of the following criteria: it is a conservative change, it occurs at a poorly conserved position in the protein, it is predicted to be benign by multiple in silico algorithms, and/or has population frequency not consistent with disease.

Ambry Genetics
Classification: Likely benign for Hereditary cancer-predisposing syndrome. Last evaluated: 2015-10-20. Review status: criteria provided, single submitter. Criteria: Ambry Variant Classification Scheme 2023. Collection method: clinical testing. Allele origin: germline.